The following is an entry in ClinVar:

NM_153026.3(PRICKLE1):c.2420C>T (p.Thr807Ile)

Gene: PRICKLE1 (prickle planar cell polarity protein 1; minus strand). Cytogenetic location: 12q12.
Variant type: single nucleotide variant.
Coding change: c.2420C>T on transcript NM_153026.3 (MANE Select); coding-DNA position 2420, C replaced by T.
Protein change: p.Thr807Ile; replaces threonine 807 with isoleucine.
Molecular consequence: missense variant.
Genome position (GRCh38, 1-based): chr12:42,459,885, G>A on the plus strand (C>T on the coding strand, the complement: PRICKLE1 is on the minus strand). VCF-style: chr12-42459885-G-A. GRCh37 (hg19) VCF-style: chr12-42853687-G-A.
Other names: c.2420C>T, p.Thr807Ile (NM_001144881.2, NM_001144882.2, NM_001144883.2); short protein forms T807I.
Identifiers: ClinVar variation 2417269 (VCV002417269.6), dbSNP rs2503366240, ClinGen allele CA384439511.

ClinVar aggregate classification (germline): Uncertain significance (1 of 4 stars; one submission).

Conditions:
Epilepsy, progressive myoclonic, 1B. Also called: PME. Identifiers: Orphanet 308, MedGen C2676254, MONDO:0012904, OMIM 612437.

Allele frequency attached by ClinVar (database versions not stated): gnomAD exomes below 0.00001.
gnomAD v4.1: 3 of 1,614,076 alleles (0.00019%); highest among the groups gnomAD compares: Non-Finnish European, 0.00025%; no homozygotes.

Submission:

Labcorp Genetics (formerly Invitae), Labcorp
Classification: Uncertain significance for Epilepsy, progressive myoclonic, 1B. Last evaluated: 2022-01-18. Review status: criteria provided, single submitter. Criteria: Invitae Variant Classification Sherloc (09022015). Collection method: clinical testing. Allele origin: germline.
Comment: In summary, the available evidence is currently insufficient to determine the role of this variant in disease. Therefore, it has been classified as a Variant of Uncertain Significance. Algorithms developed to predict the effect of missense changes on protein structure and function are either unavailable or do not agree on the potential impact of this missense change (SIFT: "Deleterious"; PolyPhen-2: "Benign"; Align-GVGD: "Class C0"). This variant has not been reported in the literature in individuals affected with PRICKLE1-related conditions. This variant is not present in population databases (gnomAD no frequency). This sequence change replaces threonine, which is neutral and polar, with isoleucine, which is neutral and non-polar, at codon 807 of the PRICKLE1 protein (p.Thr807Ile).